The following is an entry in ClinVar:

NM_001009999.3(KDM1A):c.1180G>C (p.Val394Leu)

Gene: KDM1A (lysine demethylase 1A; plus strand). Cytogenetic location: 1p36.12.
Variant type: single nucleotide variant.
Coding change: c.1180G>C on transcript NM_001009999.3 (MANE Select); coding-DNA position 1180, G replaced by C.
Protein change: p.Val394Leu; replaces valine 394 with leucine.
Molecular consequence: missense variant.
Genome position (GRCh38, 1-based): chr1:23,068,539, G>C. VCF-style: chr1-23068539-G-C. GRCh37 (hg19) VCF-style: chr1-23395032-G-C.
Other names: c.1108G>C, p.Val370Leu (NM_001363654.2, NM_015013.4); short protein forms V370L, V394L.
Identifiers: ClinVar variation 1307920 (VCV001307920.2), dbSNP rs2124508302, ClinGen allele CA338964470.
Genomic context (GRCh38, chr1:23,068,539, plus strand): 5'-TTCATGGATGGTTATGTTTAGTTTTATAAGGACCAACTCTGCTATACTTCGGATTTTCAG[G>C]TTCCTAAAGAGAAAGATGAAATGGTAGAGCAAGAGTTTAACCGGTTGCTAGAAGCTACAT-3'
Protein context (NP_001009999.1, residues 384-404): EANGQADTVK[Val394Leu]PKEKDEMVEQ

ClinVar aggregate classification (germline): Uncertain significance (1 of 4 stars; one submission).

Submission:

GeneDx
Classification: Uncertain significance. Last evaluated: 2019-08-20. Review status: criteria provided, single submitter. Criteria: GeneDx Variant Classification Process June 2021. Collection method: clinical testing. Allele origin: germline. Affected: yes.
Comment: Not observed in large population cohorts (Lek et al., 2016); In silico analysis, which includes splice predictors and evolutionary conservation, suggests this variant may impact gene splicing. In the absence of RNA/functional studies, the actual effect of this sequence change is unknown.; Has not been previously published as pathogenic or benign to our knowledge